The following is an entry in ClinVar:

ClinVar aggregate classification (germline): Uncertain significance. Review status: criteria provided, multiple submitters, no conflicts (2 of 4 stars). 2 submissions from 2 submitters: Uncertain significance (2). Last evaluated 2025-11-03.

Conditions:
Shprintzen-Goldberg syndrome (SGS). Also called: CRANIOSYNOSTOSIS WITH ARACHNODACTYLY AND ABDOMINAL HERNIAS; Marfanoid disorder with craniosynostosis type 1; Marfanoid craniosynostosis syndrome; Shprintzen-Goldberg marfanoid syndrome; SHPRINTZEN-GOLDBERG CRANIOSYNOSTOSIS SYNDROME. Identifiers: Orphanet 2462, MedGen C1321551, MONDO:0008426, OMIM 182212.

Allele frequency attached by ClinVar (database versions not stated): gnomAD exomes below 0.00001.
gnomAD v4.1: 1 of 1,426,360 alleles (0.00007%); highest among the groups gnomAD compares: Non-Finnish European, 0.000092%; no homozygotes.

Submissions (2):

Dasa
Classification: Uncertain significance. Last evaluated: 2025-11-03. Review status: criteria provided, single submitter. Criteria: DASA Assertion Criteria. Collection method: clinical testing. Allele origin: germline.
Comment: NM_003036.4(SKI):c.83C>T (p.Ser28Phe) is a missense variant that results in the substitution of serine with phenylalanine. The affected residue or protein region has prior evidence supporting clinical relevance. This variant is rare in population databases. The currently available literature and clinical evidence are not sufficient to establish a definitive association between this variant and the reported condition. Therefore, this variant is classified as a variant of uncertain significance.

Labcorp Genetics (formerly Invitae), Labcorp
Classification: Uncertain significance for Shprintzen-Goldberg syndrome. Last evaluated: 2018-11-07. Review status: criteria provided, single submitter. Criteria: Invitae Variant Classification Sherloc (09022015). Collection method: clinical testing. Allele origin: germline.
Comment: In summary, the available evidence is currently insufficient to determine the role of this variant in disease. Therefore, it has been classified as a Variant of Uncertain Significance. This variant disrupts the p.Ser28 amino acid residue in SKI. Other variant(s) that disrupt this residue have been observed in affected individuals (PMID: 24736733), which suggests that this may be a clinically significant amino acid residue. Algorithms developed to predict the effect of missense changes on protein structure and function are either unavailable or do not agree on the potential impact of this missense change (SIFT: "Deleterious"; PolyPhen-2: "Benign"; Align-GVGD: "Class C0"). This variant has been observed in an individual affected with clinical features of SKI-related disease (Invitae). The frequency data for this variant in the population databases is considered unreliable, as metrics indicate insufficient coverage at this position in the ExAC database. This sequence change replaces serine with phenylalanine at codon 28 of the SKI protein (p.Ser28Phe). The serine residue is weakly conserved and there is a large physicochemical difference between serine and phenylalanine.

Literature cited by the submitters: PubMed 24736733 (cited by Labcorp Genetics (formerly Invitae), Labcorp).

NM_003036.4(SKI):c.83C>T (p.Ser28Phe)

Gene: SKI (SKI proto-oncogene; plus strand). Cytogenetic location: 1p36.33.
Variant type: single nucleotide variant.
Coding change: c.83C>T on transcript NM_003036.4 (MANE Select); coding-DNA position 83, C replaced by T.
Protein change: p.Ser28Phe; replaces serine 28 with phenylalanine.
Molecular consequence: missense variant.
Genome position (GRCh38, 1-based): chr1:2,228,849, C>T. VCF-style: chr1-2228849-C-T. GRCh37 (hg19) VCF-style: chr1-2160288-C-T.
Other names: short protein forms S28F.
Identifiers: ClinVar variation 657158 (VCV000657158.10), dbSNP rs1569656949, ClinGen allele CA337952057.